The following is an entry in ClinVar:

ClinVar aggregate classification (germline): Likely benign (1 of 4 stars; one submission).

gnomAD v4.1: 4 of 1,198,078 alleles (0.00033%); highest among the groups gnomAD compares: Middle Eastern, 0.023%; no homozygotes.

Submission:

CeGaT Center for Human Genetics Tuebingen
Classification: Likely benign. Last evaluated: 2022-11-01. Review status: criteria provided, single submitter. Criteria: CeGaT Center For Human Genetics Tuebingen Variant Classification Criteria Version 2. Collection method: clinical testing. Allele origin: germline. Affected: yes. Observed: 1 variant allele.
Comment: USP9X: PM2:Supporting, BP4, BP7

NM_001039591.3(USP9X):c.5304A>G (p.Ala1768=)

Gene: USP9X (ubiquitin specific peptidase 9 X-linked; plus strand). Cytogenetic location: Xp11.4.
Variant type: single nucleotide variant.
Coding change: c.5304A>G on transcript NM_001039591.3 (MANE Select); coding-DNA position 5304, A replaced by G.
Protein change: p.Ala1768=; no amino-acid change (alanine 1768 retained).
Molecular consequence: synonymous variant.
Genome position (GRCh38, 1-based): chrX:41,214,682, A>G. VCF-style: chrX-41214682-A-G. GRCh37 (hg19) VCF-style: chrX-41073935-A-G.
Other names: c.5304A>G, p.Ala1768= (NM_001039590.3); c.5319A>G, p.Ala1773= (NM_001410748.1, NM_001410749.1).
Identifiers: ClinVar variation 2660331 (VCV002660331.24), dbSNP rs908408746, ClinGen allele CA515976005.